The following is an entry in ClinVar:

NM_020778.5(ALPK3):c.4670A>G (p.Gln1557Arg)

Gene: ALPK3 (alpha kinase 3; plus strand). Cytogenetic location: 15q25.3.
Variant type: single nucleotide variant.
Coding change: c.4670A>G on transcript NM_020778.5 (MANE Select); coding-DNA position 4670, A replaced by G.
Protein change: p.Gln1557Arg; replaces glutamine 1557 with arginine.
Molecular consequence: missense variant.
Genome position (GRCh38, 1-based): chr15:84,864,612, A>G. VCF-style: chr15-84864612-A-G. GRCh37 (hg19) VCF-style: chr15-85407843-A-G.
Other names: c.5276A>G (NM_020778.4); short protein forms Q1557R.
Identifiers: ClinVar variation 1499401 (VCV001499401.9), dbSNP rs1225132252, ClinGen allele CA393365266.
Genomic context (GRCh38, chr15:84,864,612, plus strand): 5'-GTGCTGAGGCTCCGACAGCATCTGGCAGCTCTGAGGCCATGCAGAAATGCCAGACCTTCC[A>G]ACACTGGCTGTATCAGTGGACAAATGGCAGCTTCCTTGTCACAGACTTGGCAGGTACGAG-3'
Protein context (NP_065829.4, residues 1547-1567): SEAMQKCQTF[Gln1557Arg]HWLYQWTNGS

ClinVar aggregate classification (germline): Uncertain significance. Review status: criteria provided, multiple submitters, no conflicts (2 of 4 stars). 2 submissions from 2 submitters: Uncertain significance (2). Last evaluated 2025-07-12.

Conditions:
Cardiovascular phenotype. Identifiers: MedGen CN230736.

Allele frequency attached by ClinVar (database versions not stated): gnomAD exomes below 0.00001 and 0.00001.
gnomAD v4.1: 6 of 1,614,216 alleles (0.00037%); highest among the groups gnomAD compares: Non-Finnish European, 0.00051%; no homozygotes.

Submissions (2):

Ambry Genetics
Classification: Uncertain significance for Cardiovascular phenotype. Last evaluated: 2025-07-12. Review status: criteria provided, single submitter. Criteria: Ambry Variant Classification Scheme 2023. Collection method: clinical testing. Allele origin: germline.
Comment: The p.Q1759R variant (also known as c.5276A>G), located in coding exon 12 of the ALPK3 gene, results from an A to G substitution at nucleotide position 5276. The glutamine at codon 1759 is replaced by arginine, an amino acid with highly similar properties. This amino acid position is conserved. In addition, this alteration is predicted to be tolerated by in silico analysis. Based on the available evidence, the clinical significance of this variant remains unclear.

Labcorp Genetics (formerly Invitae), Labcorp
Classification: Uncertain significance. Last evaluated: 2021-06-16. Review status: criteria provided, single submitter. Criteria: Invitae Variant Classification Sherloc (09022015). Collection method: clinical testing. Allele origin: germline.
Comment: This sequence change replaces glutamine with arginine at codon 1759 of the ALPK3 protein (p.Gln1759Arg). The glutamine residue is highly conserved and there is a small physicochemical difference between glutamine and arginine. In summary, the available evidence is currently insufficient to determine the role of this variant in disease. Therefore, it has been classified as a Variant of Uncertain Significance. Algorithms developed to predict the effect of missense changes on protein structure and function are either unavailable or do not agree on the potential impact of this missense change (SIFT: "Deleterious"; PolyPhen-2: "Probably Damaging"; Align-GVGD: "Class C0"). This variant has not been reported in the literature in individuals with ALPK3-related conditions. This variant is not present in population databases (ExAC no frequency).